The following is an entry in ClinVar:

ClinVar aggregate classification (germline): Uncertain significance. Review status: criteria provided, multiple submitters, no conflicts (2 of 4 stars). 2 submissions from 2 submitters: Uncertain significance (2). Last evaluated 2026-01-12.

Conditions:
Hyperinsulinism-hyperammonemia syndrome (HHF6). Identifiers: Orphanet 35878, MedGen C1847555, MONDO:0011717, OMIM 606762.

Submissions (2):

GeneDx
Classification: Uncertain significance. Last evaluated: 2026-01-12. Review status: criteria provided, single submitter. Criteria: GeneDx Variant Classification Process June 2021. Collection method: clinical testing. Allele origin: germline.
Comment: Not observed at significant frequency in large population cohorts (gnomAD); In silico analysis supports that this missense variant has a deleterious effect on protein structure/function; Has not been previously published as pathogenic or benign to our knowledge.

Labcorp Genetics (formerly Invitae), Labcorp
Classification: Uncertain significance for Hyperinsulinism-hyperammonemia syndrome. Last evaluated: 2024-10-24. Review status: criteria provided, single submitter. Criteria: Invitae Variant Classification Sherloc (09022015). Collection method: clinical testing. Allele origin: germline.
Comment: This sequence change replaces arginine, which is basic and polar, with histidine, which is basic and polar, at codon 453 of the GLUD1 protein (p.Arg453His). This variant is not present in population databases (gnomAD no frequency). This variant has not been reported in the literature in individuals affected with GLUD1-related conditions. ClinVar contains an entry for this variant (Variation ID: 2135702). Invitae Evidence Modeling of protein sequence and biophysical properties (such as structural, functional, and spatial information, amino acid conservation, physicochemical variation, residue mobility, and thermodynamic stability) indicates that this missense variant is expected to disrupt GLUD1 protein function with a positive predictive value of 80%. In summary, the available evidence is currently insufficient to determine the role of this variant in disease. Therefore, it has been classified as a Variant of Uncertain Significance.

NM_005271.5(GLUD1):c.1358G>A (p.Arg453His)

Gene: GLUD1 (glutamate dehydrogenase 1; minus strand). Cytogenetic location: 10q23.2.
Variant type: single nucleotide variant.
Coding change: c.1358G>A on transcript NM_005271.5 (MANE Select); coding-DNA position 1358, G replaced by A.
Protein change: p.Arg453His; replaces arginine 453 with histidine.
Molecular consequence: missense variant.
Genome position (GRCh38, 1-based): chr10:87,059,194, C>T on the plus strand (G>A on the coding strand, the complement: GLUD1 is on the minus strand). VCF-style: chr10-87059194-C-T. GRCh37 (hg19) VCF-style: chr10-88818951-C-T.
Other names: c.1358G>A (NM_005271.3); c.959G>A, p.Arg320His (NM_001318900.1); c.857G>A, p.Arg286His (NM_001318901.1, NM_001318902.1, NM_001318904.2 and 2 more transcripts); short protein forms R453H, R286H, R320H.
Identifiers: ClinVar variation 2135702 (VCV002135702.6), dbSNP rs2539813901, ClinGen allele CA377466070.